The following is an entry in ClinVar:

ClinVar aggregate classification (germline): Uncertain significance (1 of 4 stars; one submission).

Conditions:
Tay-Sachs disease (TSD). Also called: HEXA DEFICIENCY; GM2 gangliosidosis, type 1; Hexosaminidase alpha-subunit deficiency (variant B); Sphingolipidosis, Tay-Sachs; HEXA Disorders; Hexosaminidase A Deficiency. Identifiers: Orphanet 845, MedGen C0039373, MONDO:0010100, OMIM 272800.

Allele frequency attached by ClinVar (database versions not stated): gnomAD exomes 0.00001.
gnomAD v4.1: 29 of 1,613,588 alleles (0.0018%); highest among the groups gnomAD compares: East Asian, 0.0022%; no homozygotes.

Submission:

Labcorp Genetics (formerly Invitae), Labcorp
Classification: Uncertain significance for Tay-Sachs disease. Last evaluated: 2022-02-19. Review status: criteria provided, single submitter. Criteria: Invitae Variant Classification Sherloc (09022015). Collection method: clinical testing. Allele origin: germline.
Comment: This sequence change replaces serine, which is neutral and polar, with glycine, which is neutral and non-polar, at codon 3 of the HEXA protein (p.Ser3Gly). This variant is present in population databases (no rsID available, gnomAD 0.006%). This variant has not been reported in the literature in individuals affected with HEXA-related conditions. Algorithms developed to predict the effect of missense changes on protein structure and function output the following: SIFT: "Tolerated"; PolyPhen-2: "Not Available"; Align-GVGD: "Class C0". The glycine amino acid residue is found in multiple mammalian species, which suggests that this missense change does not adversely affect protein function. In summary, the available evidence is currently insufficient to determine the role of this variant in disease. Therefore, it has been classified as a Variant of Uncertain Significance.

NM_000520.6(HEXA):c.7A>G (p.Ser3Gly)

Gene: HEXA (hexosaminidase subunit alpha; minus strand). Cytogenetic location: 15q23.
Variant type: single nucleotide variant.
Coding change: c.7A>G on transcript NM_000520.6 (MANE Select); coding-DNA position 7, A replaced by G.
Protein change: p.Ser3Gly; replaces serine 3 with glycine.
Molecular consequence: missense variant. On other transcripts: non-coding transcript variant (1).
Genome position (GRCh38, 1-based): chr15:72,375,966, T>C on the plus strand (A>G on the coding strand, the complement: HEXA is on the minus strand). VCF-style: chr15-72375966-T-C. GRCh37 (hg19) VCF-style: chr15-72668307-T-C.
Other names: c.7A>G, p.Ser3Gly (NM_001318825.2); short protein forms S3G.
Identifiers: ClinVar variation 1418706 (VCV001418706.5), dbSNP rs1277583383, ClinGen allele CA393070890.